The following is an entry in ClinVar:

ClinVar aggregate classification (germline): Uncertain significance. Review status: criteria provided, multiple submitters, no conflicts (2 of 4 stars). 3 submissions from 3 submitters: Uncertain significance (3). Last evaluated 2024-06-25.

Conditions:
Congenital muscular dystrophy due to integrin alpha-7 deficiency. Also called: Congenital muscular dystrophy with integrin alpha-7 deficiency; Muscular dystrophy, congenital, due to ITGA7 deficiency; MYOPATHY, CONGENITAL, DUE TO INTEGRIN ALPHA-7 DEFICIENCY. Identifiers: Orphanet 34520, MedGen C2750786, MONDO:0013177, OMIM 613204.

Allele frequency attached by ClinVar (database versions not stated): TOPMed 0.00001.
gnomAD v4.1: 21 of 1,613,750 alleles (0.0013%); highest among the groups gnomAD compares: East Asian, 0.0067%; no homozygotes.

Submissions (3):

Revvity Omics, Revvity
Classification: Uncertain significance for Congenital muscular dystrophy due to integrin alpha-7 deficiency. Last evaluated: 2024-06-25. Review status: criteria provided, single submitter. Criteria: ACMG Guidelines, 2015. Collection method: clinical testing. Allele origin: germline.

Labcorp Genetics (formerly Invitae), Labcorp
Classification: Uncertain significance for Congenital muscular dystrophy due to integrin alpha-7 deficiency. Last evaluated: 2021-01-30. Review status: criteria provided, single submitter. Criteria: Invitae Variant Classification Sherloc (09022015). Collection method: clinical testing. Allele origin: germline.
Comment: In summary, the available evidence is currently insufficient to determine the role of this variant in disease. Therefore, it has been classified as a Variant of Uncertain Significance. Algorithms developed to predict the effect of missense changes on protein structure and function are either unavailable or do not agree on the potential impact of this missense change (SIFT: "Deleterious"; PolyPhen-2: "Probably Damaging"; Align-GVGD: "Class C0"). This variant has not been reported in the literature in individuals with ITGA7-related conditions. This variant is present in population databases (rs752464052, ExAC 0.02%). This sequence change replaces arginine with tryptophan at codon 372 of the ITGA7 protein (p.Arg372Trp). The arginine residue is moderately conserved and there is a moderate physicochemical difference between arginine and tryptophan.

Baylor Genetics
Classification: Uncertain significance for Congenital muscular dystrophy due to integrin alpha-7 deficiency. Last evaluated: 2019-04-18. Review status: criteria provided, single submitter. Criteria: ACMG Guidelines, 2015. Collection method: clinical testing. Allele origin: paternal. Affected: yes.
Comment: This variant was determined to be of uncertain significance according to ACMG Guidelines, 2015 [PMID:25741868].

NM_002206.3(ITGA7):c.1114C>T (p.Arg372Trp)

Gene: ITGA7 (integrin subunit alpha 7; minus strand). Cytogenetic location: 12q13.2.
Variant type: single nucleotide variant.
Coding change: c.1114C>T on transcript NM_002206.3 (MANE Select); coding-DNA position 1114, C replaced by T.
Protein change: p.Arg372Trp; replaces arginine 372 with tryptophan.
Molecular consequence: missense variant. On other transcripts: 5 prime UTR variant (1).
Genome position (GRCh38, 1-based): chr12:55,698,461, G>A on the plus strand (C>T on the coding strand, the complement: ITGA7 is on the minus strand). VCF-style: chr12-55698461-G-A. GRCh37 (hg19) VCF-style: chr12-56092245-G-A.
Other names: c.1126C>T, p.Arg376Trp (NM_001144996.2, NM_001414029.1); c.835C>T, p.Arg279Trp (NM_001144997.2); c.787C>T, p.Arg263Trp (NM_001367993.1); c.-179C>T (NM_001367994.1); c.1114C>T, p.Arg372Trp (NM_001374465.1, NM_001414034.1); c.1246C>T, p.Arg416Trp (NM_001410977.1); c.994C>T, p.Arg332Trp (NM_001414032.1); c.931C>T, p.Arg311Trp (NM_001414033.1); and 1 more; short protein forms R263W, R372W, R376W, R279W, R416W, R259W, R311W, R332W.
Identifiers: ClinVar variation 1030532 (VCV001030532.7), dbSNP rs752464052, ClinGen allele CA6616056.
Genomic context (GRCh38, chr12:55,698,461, plus strand): 5'-TGAGGTCCCCCAGGACAGCCAGGCTGATCCCGAACATGGAGTCAGGGGAGCCGCAGAGCC[G>A]GAGAGGGGAGATCCCAGCCCAGTGACCCCCCTGGTTCAAGTACACATACACAGCACCCCC-3'
Protein context (NP_002197.2, residues 362-382): GGHWAGISPL[Arg372Trp]LCGSPDSMFG